The following is an entry in ClinVar:

ClinVar aggregate classification (germline): Likely pathogenic. Review status: criteria provided, multiple submitters, no conflicts (2 of 4 stars). 3 submissions from 3 submitters: Likely pathogenic (2). 1 of the submissions does not count toward it. Last evaluated 2022-05-27.

Conditions:
Charcot-Marie-Tooth disease. Also called: Charcot-Marie-Tooth Hereditary Neuropathy; Charcot-Marie-Tooth Neuropathy. Identifiers: Orphanet 166, MedGen C0007959, MONDO:0015626.

Submissions (3):

GeneDx
Classification: Likely pathogenic. Last evaluated: 2022-05-27. Review status: criteria provided, single submitter. Criteria: GeneDx Variant Classification Process June 2021. Collection method: clinical testing. Allele origin: germline. Affected: yes.
Comment: Reported in the heterozygous state in an individual with CMT2, however this individual also carried a heterozygous variant in the GDAP1 gene (Bacquet et al., 2018); Observed with a second MFN2 variant in unrelated patients in published literature, but it is not known whether the variants occurred on the same (in cis) or on different (in trans) chromosomes in some cases (Bombelli et al., 2014; Hoebeke et al., 2018); De novo variant with confirmed parentage in unrelated patients referred for genetic testing at GeneDx and in the published literature (Zhu et al., 2021); however, the reported clinical features are only partially consistent with the features typically observed in individuals with pathogenic variants in this gene; Fibroblast microscopy studies performed on patient cells harboring R104Q and a second MFN2 variant on different (in trans) chromosomes suggest higher mitochondrial fusion with long over-fused mitochondria and higher number of branch points compared to controls (Codron et al., 2016); In silico analysis supports that this missense variant has a deleterious effect on protein structure/function; Not observed at significant frequency in large population cohorts (gnomAD); This variant is associated with the following publications: (PMID: 30340945, 33971972, 27706887, 30373780, 24957169)

CeGaT Center for Human Genetics Tuebingen
Classification: Likely pathogenic. Last evaluated: 2020-12-01. Review status: criteria provided, single submitter. Criteria: CeGaT Center For Human Genetics Tuebingen Variant Classification Criteria Version 2. Collection method: clinical testing. Allele origin: germline. Affected: yes. Observed: 1 variant allele.

Inherited Neuropathy Consortium
Classification: Uncertain significance for Charcot-Marie-Tooth disease. Review status: no assertion criteria provided. Collection method: literature only. Allele origin: germline. Affected: yes. Not counted in ClinVar's aggregate classification.

Literature cited by the submitters: PubMed 24957169 (cited by Inherited Neuropathy Consortium).

NM_014874.4(MFN2):c.311G>A (p.Arg104Gln)

Gene: MFN2 (mitofusin 2; plus strand). Cytogenetic location: 1p36.22.
Variant type: single nucleotide variant.
Coding change: c.311G>A on transcript NM_014874.4 (MANE Select); coding-DNA position 311, G replaced by A.
Protein change: p.Arg104Gln; replaces arginine 104 with glutamine.
Molecular consequence: missense variant.
Genome position (GRCh38, 1-based): chr1:11,992,690, G>A. VCF-style: chr1-11992690-G-A. GRCh37 (hg19) VCF-style: chr1-12052747-G-A.
Other names: c.311G>A, p.Arg104Gln (NM_001127660.2); short protein forms R104Q.
Identifiers: ClinVar variation 637289 (VCV000637289.40), dbSNP rs863224068, ClinGen allele CA338462489.